The following is an entry in ClinVar:

ClinVar aggregate classification (germline): Pathogenic (1 of 4 stars; one submission).

Conditions:
Ataxia-telangiectasia syndrome (AT). Also called: LOUIS-BAR SYNDROME; Ataxia-telangiectasia, complementation group D; AT, COMPLEMENTATION GROUP C; Cerebello-oculocutaneous telangiectasia; Immunodeficiency with ataxia telangiectasia; ATAXIA-TELANGIECTASIA, COMPLEMENTATION GROUP A. Identifiers: Orphanet 100, MedGen C0004135, MONDO:0008840, OMIM 208900.

Submission:

Labcorp Genetics (formerly Invitae), Labcorp
Classification: Pathogenic for Ataxia-telangiectasia syndrome. Last evaluated: 2022-08-09. Review status: criteria provided, single submitter. Criteria: Invitae Variant Classification Sherloc (09022015). Collection method: clinical testing. Allele origin: germline.
Comment: This variant is a gross deletion of the genomic region encompassing exon(s) 57-63 of the ATM gene, which includes the termination codon. This deletion extends beyond the assayed region for this gene and therefore may encompass additional genes. While this deletion is not anticipated to lead to nonsense mediated decay, it is expected to alter mRNA translation or result in a truncated protein product. A similar copy number variant has been observed in individual(s) with hereditary breast and ovarian cancer syndrome, astrocytoma, glioblastoma, and colon polyps (PMID: 26681312, 27581129). The region of the ATM gene that includes exon(s) 62-63 has been determined to be clinically significant (PMID: 9443866, 9792409, 25428789, 25614872, 26681312). Therefore, deletions that encompass that region are likely to be disease-causing. For these reasons, this variant has been classified as Pathogenic.

Literature cited by the submitters: PubMed 26681312; PubMed 27581129; PubMed 9443866; PubMed 9792409; PubMed 25428789; PubMed 25614872.

NC_000011.9:g.(?_108213939)_(108236235_?)del

Gene: ATM (ATM serine/threonine kinase; plus strand). Cytogenetic location: 11q22.3.
Variant type: Deletion.
Identifiers: ClinVar variation 1069827 (VCV001069827.5).